The following is an entry in ClinVar:

ClinVar aggregate classification (germline): Benign (0 of 4 stars; one submission).

Conditions:
TBC1D23-related disorder. Also called: TBC1D23-related condition.

Allele frequency attached by ClinVar (database versions not stated): 1000 Genomes Project 0.00060; ESP Exome Variant Server 0.00062; 1000 Genomes Project 30x 0.00078; gnomAD 0.00093; TOPMed 0.00094; ExAC 0.00100; gnomAD exomes 0.00109.
gnomAD v4.1: 1,772 of 1,611,076 alleles (0.11%); highest among the groups gnomAD compares: South Asian, 0.23%; 5 homozygotes.

Submission:

PreventionGenetics, part of Exact Sciences
Classification: Benign for TBC1D23-related condition. Last evaluated: 2019-04-05. Review status: no assertion criteria provided. Collection method: clinical testing. Allele origin: germline.
Comment: This variant is classified as benign based on ACMG/AMP sequence variant interpretation guidelines (Richards et al. 2015 PMID: 25741868, with internal and published modifications).

NM_001199198.3(TBC1D23):c.899G>C (p.Ser300Thr)

Gene: TBC1D23 (TBC1 domain family member 23; plus strand). Cytogenetic location: 3q12.1.
Variant type: single nucleotide variant.
Coding change: c.899G>C on transcript NM_001199198.3 (MANE Select); coding-DNA position 899, G replaced by C.
Protein change: p.Ser300Thr; replaces serine 300 with threonine.
Molecular consequence: missense variant.
Genome position (GRCh38, 1-based): chr3:100,297,945, G>C. VCF-style: chr3-100297945-G-C. GRCh37 (hg19) VCF-style: chr3-100016789-G-C.
Other names: c.899G>C, p.Ser300Thr (NM_018309.5); short protein forms S300T.
Identifiers: ClinVar variation 3043488 (VCV003043488.2), dbSNP rs148623930, ClinGen allele CA2514573.